The following is an entry in ClinVar:

ClinVar aggregate classification (germline): Likely pathogenic (1 of 4 stars; one submission).

Conditions:
Werner syndrome (WRN). Identifiers: Orphanet 902, MedGen C0043119, MONDO:0010196, OMIM 277700.

Allele frequency attached by ClinVar (database versions not stated): gnomAD exomes below 0.00001; TOPMed below 0.00001.
gnomAD v4.1: 1 of 1,613,648 alleles (0.000062%); highest among the groups gnomAD compares: African/African-American, 0.0013%; no homozygotes.

Submission:

Labcorp Genetics (formerly Invitae), Labcorp
Classification: Likely pathogenic for Werner syndrome. Last evaluated: 2022-04-08. Review status: criteria provided, single submitter. Criteria: Invitae Variant Classification Sherloc (09022015). Collection method: clinical testing. Allele origin: germline.
Comment: This sequence change affects a donor splice site in intron 29 of the WRN gene. It is expected to disrupt RNA splicing. Variants that disrupt the donor or acceptor splice site typically lead to a loss of protein function (PMID: 16199547), and loss-of-function variants in WRN are known to be pathogenic (PMID: 16673358). This variant is present in population databases (no rsID available, gnomAD 0.007%). This variant has not been reported in the literature in individuals affected with WRN-related conditions. Algorithms developed to predict the effect of sequence changes on RNA splicing suggest that this variant may disrupt the consensus splice site. In summary, the currently available evidence indicates that the variant is pathogenic, but additional data are needed to prove that conclusively. Therefore, this variant has been classified as Likely Pathogenic.

Literature cited by the submitters: PubMed 16199547; PubMed 16673358.

NM_000553.6(WRN):c.3459+1G>A

Gene: WRN (WRN RecQ like helicase; plus strand). Cytogenetic location: 8p12.
Variant type: single nucleotide variant.
Coding change: c.3459+1G>A on transcript NM_000553.6 (MANE Select); the canonical splice donor site of the intron after coding-DNA position 3459, G replaced by A.
Molecular consequence: splice donor variant.
Genome position (GRCh38, 1-based): chr8:31,147,129, G>A. VCF-style: chr8-31147129-G-A. GRCh37 (hg19) VCF-style: chr8-31004645-G-A.
Identifiers: ClinVar variation 2165229 (VCV002165229.4), dbSNP rs1241888415, ClinGen allele CA370925582.